The following is an entry in ClinVar:

ClinVar aggregate classification (germline): Uncertain significance (1 of 4 stars; one submission).

Conditions:
Hereditary cancer-predisposing syndrome. Also called: Neoplastic Syndromes, Hereditary; Tumor predisposition; Hereditary Cancer Syndrome; Hereditary neoplastic syndrome. Identifiers: Orphanet 140162, MedGen C0027672, MeSH D009386, MONDO:0015356.

Submission:

Color Diagnostics, LLC DBA Color Health
Classification: Uncertain significance for Hereditary cancer-predisposing syndrome. Last evaluated: 2023-12-05. Review status: criteria provided, single submitter. Criteria: ACMG Guidelines, 2015. Collection method: clinical testing. Allele origin: germline.
Comment: This missense variant replaces serine with alanine at codon 172 of the PALB2 protein. Computational prediction suggests that this variant may not impact protein structure and function (internally defined REVEL score threshold <= 0.5, PMID: 27666373). To our knowledge, functional studies have not been reported for this variant. This variant has not been reported in individuals affected with PALB2-related disorders in the literature. This variant has not been identified in the general population by the Genome Aggregation Database (gnomAD). The available evidence is insufficient to determine the role of this variant in disease conclusively. Therefore, this variant is classified as a Variant of Uncertain Significance.

NM_024675.4(PALB2):c.514T>G (p.Ser172Ala)

Gene: PALB2 (partner and localizer of BRCA2; minus strand). Cytogenetic location: 16p12.2.
Variant type: single nucleotide variant.
Coding change: c.514T>G on transcript NM_024675.4 (MANE Select); coding-DNA position 514, T replaced by G.
Protein change: p.Ser172Ala; replaces serine 172 with alanine.
Molecular consequence: missense variant.
Genome position (GRCh38, 1-based): chr16:23,636,032, A>C on the plus strand (T>G on the coding strand, the complement: PALB2 is on the minus strand). VCF-style: chr16-23636032-A-C. GRCh37 (hg19) VCF-style: chr16-23647353-A-C.
Other names: short protein forms S172A.
Identifiers: ClinVar variation 924775 (VCV000924775.4), dbSNP rs1967041594, ClinGen allele CA395137004.